The following is an entry in ClinVar:

ClinVar aggregate classification (germline): Pathogenic (1 of 4 stars; one submission).

Conditions:
Anemia, nonspherocytic hemolytic, due to G6PD deficiency (CNSHA1). Also called: Hemolytic anemia due to G6PD deficiency; Class I glucose-6-phosphate dehydrogenase deficiency; Favism, susceptibility to; ANEMIA, CONGENITAL, NONSPHEROCYTIC HEMOLYTIC, 1. Identifiers: Orphanet 466026, MedGen C2720289, MONDO:0010480, OMIM 300908.

Submission:

Dunham Lab, University of Washington
Classification: Pathogenic for Anemia, nonspherocytic hemolytic, due to G6PD deficiency. Last evaluated: 2022-08-12. Review status: criteria provided, single submitter. Criteria: Bayesian ACMG Guidelines, 2018. Collection method: curation. Allele origin: de novo. Affected: yes.
Comment: Decreased activity in red blood cells (PS3). Leads to deletion of one amino acid (PM4). Not found in gnomAD (PM2). Post_P 0.997 (odds of pathogenicity 3158, Prior_P 0.1).

Literature cited by the submitters: PubMed 22139979.

NM_001360016.2(G6PD):c.997ACC[1] (p.Thr334del)

Gene: G6PD (glucose-6-phosphate dehydrogenase; minus strand). Cytogenetic location: Xq28.
Variant type: Microsatellite.
Coding change: c.997ACC[1] on transcript NM_001360016.2 (MANE Select); one copy of the 3-base unit ACC starting at c.997; the reference has two copies in a row; one copy, 3 bases deleted.
Protein change: p.Thr334del; deletes threonine 334.
Molecular consequence: inframe deletion.
Genome position (GRCh38, 1-based): chrX:154,532,991-154,532,993, GGT deleted on the plus strand (ACC on the coding strand, the reverse complement: G6PD is on the minus strand); deleting any 3 consecutive bases within chrX:154,532,991-154,532,998 gives the same sequence; the position shown is the placement nearest the transcript's 3' end. VCF-style (leftmost placement, unchanged base first): chrX-154532990-CGGT-C. GRCh37 (hg19) VCF-style: chrX-153761205-CGGT-C.
Other names: G6PD Villeurbanne; c.1087ACC[1], p.Thr364del (NM_000402.4); c.997ACC[1], p.Thr334del (NM_001042351.3); short protein forms T334del, T364del.
Identifiers: ClinVar variation 1722665 (VCV001722665.2), dbSNP rs2523263733, ClinGen allele CA2580612318.
Genomic context (GRCh38, chrX:154,532,990, plus strand): 5'-GGCATCACCTACCATCCCACCTCTCATTCTCCACATAGAGGACGACGGCTGCAAAAGTGG[CGGT>C]GGTGGACCCGCGGGGCACCGTGGGGTCGTCCAGGTACCCTTTGGTGGCCTCGCCCTCTCC-3'